The following is an entry in ClinVar:

NM_032043.3(BRIP1):c.1227del (p.Ser409fs)

Gene: BRIP1 (BRCA1 interacting DNA helicase 1; minus strand). Cytogenetic location: 17q23.2.
Variant type: Deletion.
Coding change: c.1227del on transcript NM_032043.3 (MANE Select); coding-DNA position 1227, one base deleted (T; older notation c.1227delT).
Protein change: p.Ser409fs; shifts the reading frame from serine 409.
Molecular consequence: frameshift variant.
Genome position (GRCh38, 1-based): chr17:61,799,213, A deleted on the plus strand (T on the coding strand, the reverse complement: BRIP1 is on the minus strand). VCF-style (leftmost placement, unchanged base first): chr17-61799212-CA-C. GRCh37 (hg19) VCF-style: chr17-59876573-CA-C.
Other names: short protein forms S409fs.
Identifiers: ClinVar variation 3228083 (VCV003228083.2), dbSNP rs2545137522, ClinGen allele CA2825002579.

ClinVar aggregate classification (germline): Uncertain significance (1 of 4 stars; one submission).

Conditions:
Hereditary cancer-predisposing syndrome. Also called: Neoplastic Syndromes, Hereditary; Tumor predisposition; Hereditary neoplastic syndrome; Hereditary Cancer Syndrome. Identifiers: Orphanet 140162, MedGen C0027672, MeSH D009386, MONDO:0015356.

Submission:

Ambry Genetics
Classification: Uncertain significance for Hereditary cancer-predisposing syndrome. Last evaluated: 2024-09-25. Review status: criteria provided, single submitter. Criteria: Ambry Variant Classification Scheme 2023. Collection method: clinical testing. Allele origin: germline.
Comment: The c.1227delT variant, located in coding exon 8 of the BRIP1 gene, results from a deletion of one nucleotide at nucleotide position 1227, causing a translational frameshift with a predicted alternate stop codon (p.S409Rfs*2). This alteration is expected to result in loss of function by premature protein truncation or nonsense-mediated mRNA decay, however; in silico splice site analysis predicts that this alteration will result in the creation or strengthening of a novel splice donor site leading to an in-frame deletion of 37 amino acids. RNA studies have demonstrated that this alteration results in a transcript predicted to lead to a protein with an in-frame deletion; however, the exact functional impact of the deleted amino acid(s) is unknown at this time (Ambry internal data).This nucleotide position is not well conserved in available vertebrate species. Since supporting evidence is limited at this time, the clinical significance of this alteration remains unclear.